The following is an entry in ClinVar:

ClinVar aggregate classification (germline): Conflicting classifications of pathogenicity. Review status: criteria provided, conflicting classifications (1 of 4 stars). 4 submissions from 4 submitters: Uncertain significance (1); Likely benign (3). Last evaluated 2025-09-01.

Conditions:
Cardiovascular phenotype. Identifiers: MedGen CN230736.
Dilated cardiomyopathy 1G (CMD1G). Identifiers: Orphanet 154, MedGen C1858763, MONDO:0011400, OMIM 604145.
Autosomal recessive limb-girdle muscular dystrophy type 2J (LGMDR10). Also called: Limb-girdle muscular dystrophy, type 2J; MUSCULAR DYSTROPHY, LIMB-GIRDLE, AUTOSOMAL RECESSIVE 10. Identifiers: Orphanet 140922, MedGen C1837342, MONDO:0012127, OMIM 608807.

Allele frequency attached by ClinVar (database versions not stated): gnomAD exomes 0.00001; TOPMed 0.00001; gnomAD 0.00002.

Submissions (4):

Labcorp Genetics (formerly Invitae), Labcorp
Classification: Likely benign for Dilated cardiomyopathy 1G; Autosomal recessive limb-girdle muscular dystrophy type 2J. Last evaluated: 2025-09-01. Review status: criteria provided, single submitter. Criteria: Invitae Variant Classification Sherloc (09022015). Collection method: clinical testing. Allele origin: germline.

Ambry Genetics
Classification: Likely benign for Cardiovascular phenotype. Last evaluated: 2024-02-04. Review status: criteria provided, single submitter. Criteria: Ambry Variant Classification Scheme 2023. Collection method: clinical testing. Allele origin: germline.

CeGaT Center for Human Genetics Tuebingen
Classification: Likely benign. Last evaluated: 2023-04-01. Review status: criteria provided, single submitter. Criteria: CeGaT Center For Human Genetics Tuebingen Variant Classification Criteria Version 2. Collection method: clinical testing. Allele origin: germline. Affected: yes. Observed: 1 variant allele.
Comment: TTN: BP4, BP7

Eurofins Ntd Llc (ga)
Classification: Uncertain significance. Last evaluated: 2017-04-25. Review status: criteria provided, single submitter. Criteria: EGL Classification Definitions 2015. Collection method: clinical testing. Allele origin: germline. Observed: 1 variant allele, 1 heterozygote.

NM_001267550.2(TTN):c.6945A>G (p.Thr2315=)

Genes: TTN (titin; minus strand), LOC126806433 (BRD4-independent group 4 enhancer GRCh37_chr2:179638309-179639508; plus strand). Cytogenetic location: 2q31.2.
Variant type: single nucleotide variant.
Coding change: c.6945A>G on transcript NM_001267550.2 (MANE Select); coding-DNA position 6945, A replaced by G.
Protein change: p.Thr2315=; no amino-acid change (threonine 2315 retained).
Molecular consequence: synonymous variant.
Genome position (GRCh38, 1-based): chr2:178,774,319, T>C on the plus strand (A>G on the coding strand, the complement: TTN is on the minus strand). VCF-style: chr2-178774319-T-C. GRCh37 (hg19) VCF-style: chr2-179639046-T-C.
Other names: c.6945A>G, p.Thr2315= (NM_001256850.1, NM_133378.4, NM_133379.5); c.6807A>G, p.Thr2269= (NM_003319.4, NM_133432.3, NM_133437.4).
Identifiers: ClinVar variation 501488 (VCV000501488.41), dbSNP rs879103814, ClinGen allele CA61007161.
Genomic context (GRCh38, chr2:178,774,319, plus strand): 5'-TTCTCCCTGGTCCTCCTTGGTTACATCCTTGACCGTGAGGTTCTGACGTCCACGACGAGA[T>C]GTAATTGTATATTTGCCATTGGATTTAAGCTCCACATCATTATGATACCATTTTCCTTCT-3'
Protein context (NP_001254479.2, residues 2305-2325): ELKSNGKYTI[Thr2315=]SRRGRQNLTV